The following is an entry in ClinVar:

NM_002497.4(NEK2):c.1320G>C (p.Gln440His)

Gene: NEK2 (NIMA related kinase 2; minus strand). Cytogenetic location: 1q32.3.
Variant type: single nucleotide variant.
Coding change: c.1320G>C on transcript NM_002497.4 (MANE Select); coding-DNA position 1320, G replaced by C.
Protein change: p.Gln440His; replaces glutamine 440 with histidine.
Molecular consequence: missense variant. On other transcripts: intron variant (1).
Genome position (GRCh38, 1-based): chr1:211,663,444, C>G on the plus strand (G>C on the coding strand, the complement: NEK2 is on the minus strand). VCF-style: chr1-211663444-C-G. GRCh37 (hg19) VCF-style: chr1-211836786-C-G.
Other names: c.1320G>C (NM_002497.3); c.1111+3662G>C (NM_001204182.2); short protein forms Q440H.
Identifiers: ClinVar variation 1436576 (VCV001436576.8), dbSNP rs141984487, ClinGen allele CA1381456.
Genomic context (GRCh38, chr1:211,663,444, plus strand): 5'-TAATATTACATCCTGTACACAGCTCTGTGTCTCTCTACCTGGCTAGCGCATGCCCAGGAT[C>G]TGTCTGCTTTTCAGTTGGTAATTTTTCTCAATATCTGACAGGGCTTGAGCCCGCAGCTGG-3'
Protein context (NP_002488.1, residues 430-445): IEKNYQLKSR[Gln440His]ILGMR

ClinVar aggregate classification (germline): Uncertain significance. Review status: criteria provided, multiple submitters, no conflicts (2 of 4 stars). 3 submissions from 3 submitters: Uncertain significance (3). Last evaluated 2024-05-26.

Allele frequency attached by ClinVar (database versions not stated): gnomAD exomes 0.00003 and 0.00006; ExAC 0.00004; gnomAD 0.00005 and 0.00006; ESP Exome Variant Server 0.00008.
gnomAD v4.1: 61 of 1,612,748 alleles (0.0038%); highest among the groups gnomAD compares: Middle Eastern, 0.066%; no homozygotes.

Submissions (3):

Ambry Genetics
Classification: Uncertain significance. Last evaluated: 2024-05-26. Review status: criteria provided, single submitter. Criteria: Ambry Variant Classification Scheme 2023. Collection method: clinical testing. Allele origin: germline.

Blueprint Genetics
Classification: Uncertain significance. Last evaluated: 2024-03-01. Review status: criteria provided, single submitter. Criteria: ACMG Guidelines, 2015. Collection method: clinical testing. Allele origin: germline.

Labcorp Genetics (formerly Invitae), Labcorp
Classification: Uncertain significance. Last evaluated: 2024-02-11. Review status: criteria provided, single submitter. Criteria: Invitae Variant Classification Sherloc (09022015). Collection method: clinical testing. Allele origin: germline.
Comment: This sequence change replaces glutamine, which is neutral and polar, with histidine, which is basic and polar, at codon 440 of the NEK2 protein (p.Gln440His). This variant is present in population databases (rs141984487, gnomAD 0.01%). This variant has not been reported in the literature in individuals affected with NEK2-related conditions. ClinVar contains an entry for this variant (Variation ID: 1436576). An algorithm developed to predict the effect of missense changes on protein structure and function (PolyPhen-2) suggests that this variant is likely to be disruptive. In summary, the available evidence is currently insufficient to determine the role of this variant in disease. Therefore, it has been classified as a Variant of Uncertain Significance.